The following is an entry in ClinVar:

NM_001291088.2(WDR87):c.7738C>T (p.Leu2580Phe)

Gene: WDR87 (WD repeat domain 87; minus strand). Cytogenetic location: 19q13.13.
Variant type: single nucleotide variant.
Coding change: c.7738C>T on transcript NM_001291088.2 (MANE Select); coding-DNA position 7738, C replaced by T.
Protein change: p.Leu2580Phe; replaces leucine 2580 with phenylalanine.
Molecular consequence: missense variant.
Genome position (GRCh38, 1-based): chr19:37,885,933, G>A on the plus strand (C>T on the coding strand, the complement: WDR87 is on the minus strand). VCF-style: chr19-37885933-G-A. GRCh37 (hg19) VCF-style: chr19-38376573-G-A.
Other names: c.7621C>T, p.Leu2541Phe (NM_031951.5); short protein forms L2580F, L2541F.
Identifiers: ClinVar variation 1978515 (VCV001978515.4), dbSNP rs2513337358, ClinGen allele CA405597952.
Genomic context (GRCh38, chr19:37,885,933, plus strand): 5'-TTCCCTTTGAGGCAAGGTCTTTGAGCAGCTGGCACAGTCTATGGAAACCATCCCTGGAAA[G>A]CTGTTCTCCCGCTTCCATTCGTTCTAGGACATGGCGGATCCACTCTACATCTGAGAGGCT-3'
Protein context (NP_001278017.1, residues 2570-2590): VLERMEAGEQ[Leu2580Phe]SRDGFHRLCQ

ClinVar aggregate classification (germline): Uncertain significance (1 of 4 stars; one submission).

Allele frequency attached by ClinVar (database versions not stated): gnomAD exomes below 0.00001.
gnomAD v4.1: 1 of 1,552,316 alleles (0.000064%); highest among the groups gnomAD compares: Admixed American, 0.002%; no homozygotes.

Submission:

Labcorp Genetics (formerly Invitae), Labcorp
Classification: Uncertain significance. Last evaluated: 2022-08-15. Review status: criteria provided, single submitter. Criteria: Invitae Variant Classification Sherloc (09022015). Collection method: clinical testing. Allele origin: germline.
Comment: This variant has not been reported in the literature in individuals affected with WDR87-related conditions. This variant is not present in population databases (gnomAD no frequency). This sequence change replaces leucine, which is neutral and non-polar, with phenylalanine, which is neutral and non-polar, at codon 2541 of the WDR87 protein (p.Leu2541Phe). Algorithms developed to predict the effect of missense changes on protein structure and function are either unavailable or do not agree on the potential impact of this missense change (SIFT: "Deleterious"; PolyPhen-2: "Not Available"; Align-GVGD: "Class C0"). In summary, the available evidence is currently insufficient to determine the role of this variant in disease. Therefore, it has been classified as a Variant of Uncertain Significance.